The following is an entry in ClinVar:

ClinVar aggregate classification (germline): Pathogenic. Review status: criteria provided, multiple submitters, no conflicts (2 of 4 stars). 3 submissions from 3 submitters: Pathogenic (2). 1 of the submissions does not count toward it. Last evaluated 2023-01-26.

Conditions:
Pheochromocytoma/paraganglioma syndrome 4. Also called: PARAGANGLIOMA, FAMILIAL MALIGNANT; PARAGANGLIOMAS, HEREDITARY EXTRAADRENAL; PHEOCHROMOCYTOMA, FAMILIAL EXTRAADRENAL; Paragangliomas 4; CAROTID BODY TUMORS AND MULTIPLE EXTRAADRENAL PHEOCHROMOCYTOMAS; SDHB-Related Hereditary Paraganglioma-Pheochromocytoma Syndrome (Paragangliomas 4). Identifiers: Orphanet 29072, MedGen C1861848, MONDO:0007273, OMIM 115310.
Gastrointestinal stromal tumor. Also called: Gastrointestinal stroma tumor; Gastrointestinal stromal tumor, somatic. Identifiers: Orphanet 44890, MedGen C0238198, MeSH D046152, MONDO:0011719, OMIM 606764, HP:0100723.
Pheochromocytoma. Also called: MAX-Related Hereditary Paraganglioma-Pheochromocytoma Syndrome. Identifiers: Orphanet 29072, MedGen C0031511, MONDO:0008233, OMIM 171300, HP:0002666.
Hereditary pheochromocytoma and paraganglioma. Also called: Hereditary Paraganglioma-Pheochromocytoma Syndromes; Hereditary pheochromocytoma-paraganglioma; Hereditary paragangliomas and pheochromocytomas. Identifiers: Orphanet 29072, MedGen C4274332, MONDO:0017366.

Submissions (3):

Department of Pathology and Laboratory Medicine, Sinai Health System
Classification: Pathogenic for Pheochromocytoma/paraganglioma syndrome 4. Last evaluated: 2023-01-26. Review status: criteria provided, single submitter. Criteria: ACMG Guidelines, 2015. Collection method: clinical testing. Allele origin: germline. Affected: yes.

Labcorp Genetics (formerly Invitae), Labcorp
Classification: Pathogenic for Gastrointestinal stromal tumor; Pheochromocytoma/paraganglioma syndrome 4; Pheochromocytoma. Last evaluated: 2022-11-15. Review status: criteria provided, single submitter. Criteria: Invitae Variant Classification Sherloc (09022015). Collection method: clinical testing. Allele origin: germline.
Comment: This sequence change creates a premature translational stop signal (p.Leu111Serfs*7) in the SDHB gene. It is expected to result in an absent or disrupted protein product. Loss-of-function variants in SDHB are known to be pathogenic (PMID: 19454582, 19802898). This variant is not present in population databases (gnomAD no frequency). This premature translational stop signal has been observed in individual(s) with a paraganglioma (PMID: 19454582). This variant is also known as c.330_331del. ClinVar contains an entry for this variant (Variation ID: 412453). For these reasons, this variant has been classified as Pathogenic.

Section on Medical Neuroendocrinolgy, National Institutes of Health
Classification: Pathogenic for Hereditary pheochromocytoma and paraganglioma. Review status: no assertion criteria provided. Collection method: research. Allele origin: germline. Affected: yes. Not counted in ClinVar's aggregate classification.

Literature cited by the submitters: PubMed 19454582 (cited by Labcorp Genetics (formerly Invitae), Labcorp); PubMed 19802898 (cited by Labcorp Genetics (formerly Invitae), Labcorp).

NM_003000.3(SDHB):c.331_332del (p.Leu111fs)

Gene: SDHB (succinate dehydrogenase complex iron sulfur subunit B; minus strand). Cytogenetic location: 1p36.13.
Variant type: Microsatellite.
Coding change: c.331_332del on transcript NM_003000.3 (MANE Select); coding-DNA positions 331 to 332, 2 bases deleted (CT; older notation c.331_332delCT).
Protein change: p.Leu111fs; shifts the reading frame from leucine 111.
Molecular consequence: frameshift variant.
Genome position (GRCh38, 1-based): chr1:17,028,691-17,028,692, AG deleted on the plus strand (CT on the coding strand, the reverse complement: SDHB is on the minus strand); deleting any 2 consecutive bases within chr1:17,028,691-17,028,694 gives the same sequence; the c. name uses the placement nearest the transcript's 3' end. VCF-style (leftmost placement, unchanged base first): chr1-17028690-TAG-T. GRCh37 (hg19) VCF-style: chr1-17355185-TAG-T.
Other names: c.331_332delCT (NM_003000.2); short protein forms L111fs.
Identifiers: ClinVar variation 412453 (VCV000412453.7), dbSNP rs1060503751, ClinGen allele CA16609938.
Genomic context (GRCh38, chr1:17,028,690, plus strand): 5'-TGGAAGAGGGTAGATTTTTGAGACCTTATTGAGGTTGGTGTCAATCCTTCGGGTGCAAGC[TAG>T]AGTGTTGCCTCCATTGATGTTCATTGCACAAGAGCCACAGATGCCTGAAAGAGACACACA-3'